The following is an entry in ClinVar:

NM_170754.4(TNS2):c.1514C>T (p.Pro505Leu)

Gene: TNS2 (tensin 2; plus strand). Cytogenetic location: 12q13.13.
Variant type: single nucleotide variant.
Coding change: c.1514C>T on transcript NM_170754.4 (MANE Select); coding-DNA position 1514, C replaced by T.
Protein change: p.Pro505Leu; replaces proline 505 with leucine.
Molecular consequence: missense variant.
Genome position (GRCh38, 1-based): chr12:53,059,155, C>T. VCF-style: chr12-53059155-C-T. GRCh37 (hg19) VCF-style: chr12-53452939-C-T.
Other names: c.1514C>T, p.Pro505Leu (NM_001416202.1); c.1472C>T, p.Pro491Leu (NM_001416203.1); c.1541C>T, p.Pro514Leu (NM_001416204.1); c.1445C>T, p.Pro482Leu (NM_015319.3); c.1142C>T, p.Pro381Leu (NM_198316.2); short protein forms P514L, P381L, P482L, P505L, P491L.
Identifiers: ClinVar variation 4771889 (VCV004771889.1).

ClinVar aggregate classification (germline): Uncertain significance (1 of 4 stars; one submission).

gnomAD v4.1: 1 of 1,599,962 alleles (0.000063%); highest among the groups gnomAD compares: Non-Finnish European, 0.000085%; no homozygotes.

Submission:

Labcorp Genetics (formerly Invitae), Labcorp
Classification: Uncertain significance. Last evaluated: 2025-08-23. Review status: criteria provided, single submitter. Criteria: Invitae Variant Classification Sherloc (09022015). Collection method: clinical testing. Allele origin: germline.
Comment: This sequence change replaces proline, which is neutral and non-polar, with leucine, which is neutral and non-polar, at codon 515 of the TNS2 protein (p.Pro515Leu). This variant is not present in population databases (gnomAD no frequency). This variant has not been reported in the literature in individuals affected with TNS2-related conditions. An algorithm developed to predict the effect of missense changes on protein structure and function (PolyPhen-2) suggests that this variant is likely to be disruptive. In summary, the available evidence is currently insufficient to determine the role of this variant in disease. Therefore, it has been classified as a Variant of Uncertain Significance.